The following is an entry in ClinVar:

ClinVar aggregate classification (germline): Uncertain significance. Review status: criteria provided, multiple submitters, no conflicts (2 of 4 stars). 6 submissions from 6 submitters: Uncertain significance (6). Last evaluated 2025-11-15.

Conditions:
Familial adenomatous polyposis 1 (FAP1). Also called: FAMILIAL ADENOMATOUS POLYPOSIS 1, ATTENUATED; POLYPOSIS, ADENOMATOUS INTESTINAL. Identifiers: MedGen C2713442, MONDO:0021056, OMIM 175100. Disease mechanism: loss of function.
Classic or attenuated familial adenomatous polyposis. Identifiers: MedGen CN372698, MONDO:0021057.
Hereditary cancer-predisposing syndrome. Also called: Tumor predisposition; Hereditary Cancer Syndrome; Hereditary neoplastic syndrome; Neoplastic Syndromes, Hereditary. Identifiers: Orphanet 140162, MedGen C0027672, MeSH D009386, MONDO:0015356.

Submissions (6):

Ambry Genetics
Classification: Uncertain significance for Hereditary cancer-predisposing syndrome. Last evaluated: 2025-11-15. Review status: criteria provided, single submitter. Criteria: Ambry Variant Classification Scheme 2023. Collection method: clinical testing. Allele origin: germline.
Comment: The p.H2551L variant (also known as c.7652A>T), located in coding exon 15 of the APC gene, results from an A to T substitution at nucleotide position 7652. The histidine at codon 2551 is replaced by leucine, an amino acid with similar properties. This amino acid position is highly conserved in available vertebrate species. In addition, in silico predictors for this gene do not accurately predict pathogenicity. Since supporting evidence is limited at this time, the clinical significance of this alteration remains unclear.

Labcorp Genetics (formerly Invitae), Labcorp
Classification: Uncertain significance for Familial adenomatous polyposis 1. Last evaluated: 2025-03-19. Review status: criteria provided, single submitter. Criteria: Invitae Variant Classification Sherloc (09022015). Collection method: clinical testing. Allele origin: germline.
Comment: This sequence change replaces histidine, which is basic and polar, with leucine, which is neutral and non-polar, at codon 2551 of the APC protein (p.His2551Leu). This variant is not present in population databases (gnomAD no frequency). This variant has not been reported in the literature in individuals affected with APC-related conditions. ClinVar contains an entry for this variant (Variation ID: 411452). Invitae Evidence Modeling of protein sequence and biophysical properties (such as structural, functional, and spatial information, amino acid conservation, physicochemical variation, residue mobility, and thermodynamic stability) indicates that this missense variant is not expected to disrupt APC protein function with a negative predictive value of 95%. In summary, the available evidence is currently insufficient to determine the role of this variant in disease. Therefore, it has been classified as a Variant of Uncertain Significance.

All of Us Research Program, National Institutes of Health
Classification: Uncertain significance for Classic or attenuated familial adenomatous polyposis. Last evaluated: 2024-03-24. Review status: criteria provided, single submitter. Criteria: ACMG Guidelines, 2015. Collection method: clinical testing. Allele origin: germline. Inheritance: Autosomal dominant inheritance. Observed: 2 variant alleles, 2 heterozygotes.
Comment: This missense variant replaces histidine with leucine at codon 2551 of the APC protein. Computational prediction is inconclusive regarding the impact of this variant on protein structure and function (internally defined REVEL score threshold 0.5 < inconclusive < 0.7, PMID: 27666373). Splice site prediction tools suggest that this variant may not impact RNA splicing. To our knowledge, functional studies have not been performed for this variant. This variant has not been reported in individuals affected with hereditary cancer in the literature. This variant has not been identified in the general population by the Genome Aggregation Database (gnomAD). The available evidence is insufficient to determine the role of this variant in disease conclusively. Therefore, this variant is classified as a Variant of Uncertain Significance.

This study involves interpretation of variants in research participants for the purpose of population health screening. Participant phenotype was not available at the time of variant classification. Additional details can be found in publication PMID: 35346344, PMCID: PMC8962531

Color Diagnostics, LLC DBA Color Health
Classification: Uncertain significance for Hereditary cancer-predisposing syndrome. Last evaluated: 2024-03-06. Review status: criteria provided, single submitter. Criteria: ACMG Guidelines, 2015. Collection method: clinical testing. Allele origin: germline.
Comment: This missense variant replaces histidine with leucine at codon 2551 of the APC protein. Computational prediction is inconclusive regarding the impact of this variant on protein structure and function (internally defined REVEL score threshold 0.5 < inconclusive < 0.7, PMID: 27666373). Splice site prediction tools suggest that this variant may not impact RNA splicing. To our knowledge, functional studies have not been performed for this variant. This variant has not been reported in individuals affected with hereditary cancer in the literature. This variant has not been identified in the general population by the Genome Aggregation Database (gnomAD). The available evidence is insufficient to determine the role of this variant in disease conclusively. Therefore, this variant is classified as a Variant of Uncertain Significance.

GeneDx
Classification: Uncertain significance. Last evaluated: 2022-10-26. Review status: criteria provided, single submitter. Criteria: GeneDx Variant Classification Process June 2021. Collection method: clinical testing. Allele origin: germline. Affected: yes.
Comment: Not observed at significant frequency in large population cohorts (gnomAD); In silico analysis supports that this missense variant does not alter protein structure/function; Has not been previously published as pathogenic or benign to our knowledge

PreventionGenetics, part of Exact Sciences
Classification: Uncertain significance. Last evaluated: 2018-01-04. Review status: criteria provided, single submitter. Criteria: ACMG Guidelines, 2015. Collection method: clinical testing. Allele origin: germline.

NM_000038.6(APC):c.7652A>T (p.His2551Leu)

Gene: APC (APC regulator of Wnt signaling pathway; plus strand). Cytogenetic location: 5q22.2.
Variant type: single nucleotide variant.
Coding change: c.7652A>T on transcript NM_000038.6 (MANE Select); coding-DNA position 7652, A replaced by T.
Protein change: p.His2551Leu; replaces histidine 2551 with leucine.
Molecular consequence: missense variant.
Genome position (GRCh38, 1-based): chr5:112,843,246, A>T. VCF-style: chr5-112843246-A-T. GRCh37 (hg19) VCF-style: chr5-112178943-A-T.
Other names: c.7652A>T, p.His2551Leu (NM_001127510.3, NM_001354895.2); c.7598A>T, p.His2533Leu (NM_001127511.3); c.7706A>T, p.His2569Leu (NM_001354896.2); c.7682A>T, p.His2561Leu (NM_001354897.2); c.7577A>T, p.His2526Leu (NM_001354898.2); c.7568A>T, p.His2523Leu (NM_001354899.2); c.7529A>T, p.His2510Leu (NM_001354900.2); c.7475A>T, p.His2492Leu (NM_001354901.2); and 5 more; short protein forms H2533L, H2551L, H2268L, H2391L, H2425L, H2460L, H2450L, H2492L.
Identifiers: ClinVar variation 411452 (VCV000411452.57), dbSNP rs1060503314, ClinGen allele CA16037955.